The following is an entry in ClinVar:

ClinVar aggregate classification (germline): Benign. Review status: criteria provided, multiple submitters, no conflicts (2 of 4 stars). 3 submissions from 3 submitters: Benign (2). 1 of the submissions does not count toward it. Last evaluated 2025-12-01.

Conditions:
VPS33A-related disorder. Also called: VPS33A-related condition.

Allele frequency attached by ClinVar (database versions not stated): gnomAD exomes 0.00018 and 0.00047; ExAC 0.00059; gnomAD 0.00202 and 0.00221; ESP Exome Variant Server 0.00208; TOPMed 0.00216; 1000 Genomes Project 0.00240; 1000 Genomes Project 30x 0.00250.
gnomAD v4.1: 562 of 1,605,918 alleles (0.035%); highest among the groups gnomAD compares: African/African-American, 0.71%; 4 homozygotes.

Submissions (3):

Labcorp Genetics (formerly Invitae), Labcorp
Classification: Benign. Last evaluated: 2025-12-01. Review status: criteria provided, single submitter. Criteria: Invitae Variant Classification Sherloc (09022015). Collection method: clinical testing. Allele origin: germline.

Breakthrough Genomics
Classification: Benign. Review status: criteria provided, single submitter. Criteria: ACMG Guidelines, 2015. Collection method: not provided. Allele origin: germline. Inheritance: Autosomal recessive inheritance. Affected: yes.

PreventionGenetics, part of Exact Sciences
Classification: Likely benign for VPS33A-related condition. Last evaluated: 2021-03-08. Review status: no assertion criteria provided. Collection method: clinical testing. Allele origin: germline. Not counted in ClinVar's aggregate classification.
Comment: This variant is classified as likely benign based on ACMG/AMP sequence variant interpretation guidelines (Richards et al. 2015 PMID: 25741868, with internal and published modifications).

NM_022916.6(VPS33A):c.459C>T (p.Ser153=)

Gene: VPS33A (VPS33A core subunit of CORVET and HOPS complexes; minus strand). Cytogenetic location: 12q24.31.
Variant type: single nucleotide variant.
Coding change: c.459C>T on transcript NM_022916.6 (MANE Select); coding-DNA position 459, C replaced by T.
Protein change: p.Ser153=; no amino-acid change (serine 153 retained).
Molecular consequence: synonymous variant.
Genome position (GRCh38, 1-based): chr12:122,261,285, G>A on the plus strand (C>T on the coding strand, the complement: VPS33A is on the minus strand). VCF-style: chr12-122261285-G-A. GRCh37 (hg19) VCF-style: chr12-122745832-G-A.
Other names: c.426C>T, p.Ser142= (NM_001351018.2); c.411C>T, p.Ser137= (NM_001351019.2); c.459C>T, p.Ser153= (NM_001351020.2, NM_001351021.2).
Identifiers: ClinVar variation 787935 (VCV000787935.13), dbSNP rs145634176, ClinGen allele CA6844601.
Genomic context (GRCh38, chr12:122,261,285, plus strand): 5'-AATTAATGCCTGAAGTTAAGGAAATGCCAAACTTACTTTGAATGCACCCTCTGATTCCAT[G>A]GATAAGAGATCCCCATCGAATGGAATGAGATCTAAGCTGTACTCCTCCCTGTGAATAAAG-3'
Protein context (NP_075067.2, residues 143-163): DLIPFDGDLL[Ser153=]MESEGAFKEC